The following is an entry in ClinVar:

ClinVar aggregate classification (germline): Uncertain significance. Review status: criteria provided, multiple submitters, no conflicts (2 of 4 stars). 3 submissions from 3 submitters: Uncertain significance (3). Last evaluated 2023-06-02.

Conditions:
Christianson syndrome (MRXSCH). Also called: INTELLECTUAL DEVELOPMENTAL DISORDER, X-LINKED, SYNDROMIC, CHRISTIANSON TYPE; SLC9A6-Related Syndromic Mental Retardation; X-linked mental retardation, syndromic, Christianson type. Identifiers: Orphanet 85278, MedGen C2678194, MONDO:0010278, OMIM 300243.

Allele frequency attached by ClinVar (database versions not stated): gnomAD exomes 0.00001 and 0.00003; ExAC 0.00002; TOPMed 0.00002; gnomAD 0.00004; ESP Exome Variant Server 0.00009.
gnomAD v4.1: 20 of 1,206,063 alleles (0.0017%); highest among the groups gnomAD compares: East Asian, 0.003%; no homozygotes.

Submissions (3):

3billion
Classification: Uncertain significance for Christianson syndrome. Last evaluated: 2023-06-02. Review status: criteria provided, single submitter. Criteria: ACMG Guidelines, 2015. Collection method: clinical testing. Allele origin: germline. Affected: yes.
Comment: The variant is observed at an extremely low frequency in the gnomAD v2.1.1 dataset (total allele frequency: 0.003%). Predicted Consequence/Location: Missense variant In silico tool predictions suggest no damaging effect of the variant on gene or gene product (REVEL: 0.13; 3Cnet: 0.08). Therefore, this variant is classified as VUS according to the recommendation of ACMG/AMP guideline.

Labcorp Genetics (formerly Invitae), Labcorp
Classification: Uncertain significance for Christianson syndrome. Last evaluated: 2022-11-22. Review status: criteria provided, single submitter. Criteria: Invitae Variant Classification Sherloc (09022015). Collection method: clinical testing. Allele origin: germline.
Comment: In summary, the available evidence is currently insufficient to determine the role of this variant in disease. Therefore, it has been classified as a Variant of Uncertain Significance. Advanced modeling of protein sequence and biophysical properties (such as structural, functional, and spatial information, amino acid conservation, physicochemical variation, residue mobility, and thermodynamic stability) performed at Invitae indicates that this missense variant is not expected to disrupt SLC9A6 protein function. ClinVar contains an entry for this variant (Variation ID: 450434). This variant has not been reported in the literature in individuals affected with SLC9A6-related conditions. This variant is present in population databases (rs372003999, gnomAD 0.006%). This sequence change replaces threonine, which is neutral and polar, with alanine, which is neutral and non-polar, at codon 140 of the SLC9A6 protein (p.Thr140Ala).

GeneDx
Classification: Uncertain significance. Last evaluated: 2022-07-14. Review status: criteria provided, single submitter. Criteria: GeneDx Variant Classification Process June 2021. Collection method: clinical testing. Allele origin: germline. Affected: yes.
Comment: In silico analysis supports that this missense variant does not alter protein structure/function; Has not been previously published as pathogenic or benign to our knowledge

NM_001379110.1(SLC9A6):c.262A>G (p.Thr88Ala)

Gene: SLC9A6 (solute carrier family 9 member A6; plus strand). Cytogenetic location: Xq26.3.
Variant type: single nucleotide variant.
Coding change: c.262A>G on transcript NM_001379110.1 (MANE Select); coding-DNA position 262, A replaced by G.
Protein change: p.Thr88Ala; replaces threonine 88 with alanine.
Molecular consequence: missense variant.
Genome position (GRCh38, 1-based): chrX:135,994,878, A>G. VCF-style: chrX-135994878-A-G. GRCh37 (hg19) VCF-style: chrX-135077037-A-G.
Other names: c.418A>G, p.Thr140Ala (NM_001042537.2, NM_006359.3); c.262A>G, p.Thr88Ala (NM_001177651.2, NM_001330652.2); short protein forms T140A, T88A.
Identifiers: ClinVar variation 450434 (VCV000450434.14), dbSNP rs372003999, ClinGen allele CA10524646.